The following is an entry in ClinVar:

ClinVar aggregate classification (germline): Conflicting classifications of pathogenicity. Review status: criteria provided, conflicting classifications (1 of 4 stars). 3 submissions from 3 submitters: Uncertain significance (2); Likely benign (1). Last evaluated 2026-01-16.

Conditions:
Familial thoracic aortic aneurysm and aortic dissection (TAAD). Also called: Thoracic aortic aneurysms and dissections. Identifiers: Orphanet 91387, MedGen C4707243, MONDO:0019625.
Shprintzen-Goldberg syndrome (SGS). Also called: CRANIOSYNOSTOSIS WITH ARACHNODACTYLY AND ABDOMINAL HERNIAS; Marfanoid disorder with craniosynostosis type 1; Marfanoid craniosynostosis syndrome; Shprintzen-Goldberg marfanoid syndrome; SHPRINTZEN-GOLDBERG CRANIOSYNOSTOSIS SYNDROME. Identifiers: Orphanet 2462, MedGen C1321551, MONDO:0008426, OMIM 182212.

Allele frequency attached by ClinVar (database versions not stated): ExAC below 0.00001; gnomAD 0.00004; TOPMed 0.00005.
gnomAD v4.1: 63 of 1,560,528 alleles (0.004%); highest among the groups gnomAD compares: Middle Eastern, 0.017%; no homozygotes.

Submissions (3):

Labcorp Genetics (formerly Invitae), Labcorp
Classification: Likely benign for Shprintzen-Goldberg syndrome. Last evaluated: 2026-01-16. Review status: criteria provided, single submitter. Criteria: Invitae Variant Classification Sherloc (09022015). Collection method: clinical testing. Allele origin: germline.

Ambry Genetics
Classification: Uncertain significance for Familial thoracic aortic aneurysm and aortic dissection. Last evaluated: 2024-04-08. Review status: criteria provided, single submitter. Criteria: Ambry Variant Classification Scheme 2023. Collection method: clinical testing. Allele origin: germline.

GeneDx
Classification: Uncertain significance. Last evaluated: 2020-06-23. Review status: criteria provided, single submitter. Criteria: GeneDx Variant Classification Process June 2021. Collection method: clinical testing. Allele origin: germline. Affected: yes.
Comment: In silico analysis supports that this missense variant does not alter protein structure/function; Has not been previously published as pathogenic or benign to our knowledge

NM_003036.4(SKI):c.1619C>T (p.Ala540Val)

Gene: SKI (SKI proto-oncogene; plus strand). Cytogenetic location: 1p36.32.
Variant type: single nucleotide variant.
Coding change: c.1619C>T on transcript NM_003036.4 (MANE Select); coding-DNA position 1619, C replaced by T.
Protein change: p.Ala540Val; replaces alanine 540 with valine.
Molecular consequence: missense variant.
Genome position (GRCh38, 1-based): chr1:2,304,437, C>T. VCF-style: chr1-2304437-C-T. GRCh37 (hg19) VCF-style: chr1-2235876-C-T.
Other names: p.A540V:GCG>GTG; short protein forms A540V.
Identifiers: ClinVar variation 213697 (VCV000213697.18), dbSNP rs764786977, ClinGen allele CA324427.